The following is an entry in ClinVar:

NM_004667.6(HERC2):c.10630G>A (p.Asp3544Asn)

Gene: HERC2 (HECT and RLD domain containing E3 ubiquitin protein ligase 2; minus strand). Cytogenetic location: 15q13.1.
Variant type: single nucleotide variant.
Coding change: c.10630G>A on transcript NM_004667.6 (MANE Select); coding-DNA position 10630, G replaced by A.
Protein change: p.Asp3544Asn; replaces aspartic acid 3544 with asparagine.
Molecular consequence: missense variant.
Genome position (GRCh38, 1-based): chr15:28,163,210, C>T on the plus strand (G>A on the coding strand, the complement: HERC2 is on the minus strand). VCF-style: chr15-28163210-C-T. GRCh37 (hg19) VCF-style: chr15-28408356-C-T.
Other names: short protein forms D3544N.
Identifiers: ClinVar variation 3361172 (VCV003361172.1).

ClinVar aggregate classification (germline): Uncertain significance (1 of 4 stars; one submission).

gnomAD v4.1: 1 of 1,613,944 alleles (0.000062%); highest among the groups gnomAD compares: Non-Finnish European, 0.000085%; no homozygotes.

Submission:

GeneDx
Classification: Uncertain significance. Last evaluated: 2023-07-25. Review status: criteria provided, single submitter. Criteria: GeneDx Variant Classification Process June 2021. Collection method: clinical testing. Allele origin: germline. Affected: yes.
Comment: Not observed at significant frequency in large population cohorts (gnomAD); In silico analysis supports that this missense variant does not alter protein structure/function; Has not been previously published as pathogenic or benign to our knowledge